The following is an entry in ClinVar:

Single allele

Gene: DMD (dystrophin; minus strand). Cytogenetic location: Xp21.1.
Variant type: Duplication.
Identifiers: ClinVar variation 3571803 (VCV003571803.1).

ClinVar aggregate classification (germline): Likely pathogenic (1 of 4 stars; one submission).

Submission:

Athena Diagnostics
Classification: Likely pathogenic. Last evaluated: 2023-12-01. Review status: criteria provided, single submitter. Criteria: Athena Diagnostics Criteria. Collection method: clinical testing. Allele origin: unknown.
Comment: This variant is likely inserted in tandem within the DMD gene (PMID: 25640679) and would maintain the transcript's reading frame; however, it is expected to disrupt protein function. A duplication of exon 16 has been identified in at least one individual with BMD. Duplication of the same exon has not been reported in large, multi-ethnic general populations.

Literature cited by the submitters: PubMed 18853462; PubMed 32194622; PubMed 20485447.